The following is an entry in ClinVar:

NM_001199862.2(KCNAB2):c.1032C>T (p.Ala344=)

Gene: KCNAB2 (potassium voltage-gated channel subfamily A regulatory beta subunit 2; plus strand). Cytogenetic location: 1p36.31.
Variant type: single nucleotide variant.
Coding change: c.1032C>T on transcript NM_001199862.2 (MANE Select); coding-DNA position 1032, C replaced by T.
Protein change: p.Ala344=; no amino-acid change (alanine 344 retained).
Molecular consequence: synonymous variant.
Genome position (GRCh38, 1-based): chr1:6,096,719, C>T. VCF-style: chr1-6096719-C-T. GRCh37 (hg19) VCF-style: chr1-6156779-C-T.
Other names: c.888C>T, p.Ala296= (NM_001199860.2, NM_001199861.2, NM_003636.4); c.687C>T, p.Ala229= (NM_001199863.2); c.846C>T, p.Ala282= (NM_172130.3).
Identifiers: ClinVar variation 747787 (VCV000747787.6), dbSNP rs547813742, ClinGen allele CA555455.

ClinVar aggregate classification (germline): Benign. Review status: criteria provided, multiple submitters, no conflicts (2 of 4 stars). 3 submissions from 3 submitters: Benign (2). 1 of the submissions does not count toward it. Last evaluated 2018-03-29.

Conditions:
KCNAB2-related disorder. Also called: KCNAB2-related condition.

Allele frequency attached by ClinVar (database versions not stated): gnomAD 0.00004 and 0.00012; TOPMed 0.00004; gnomAD exomes 0.00019 and 0.00041; 1000 Genomes Project 30x 0.00031; 1000 Genomes Project 0.00040; ExAC 0.00068.
gnomAD v4.1: 291 of 1,595,978 alleles (0.018%); highest among the groups gnomAD compares: South Asian, 0.26%; 1 homozygote.

Submissions (3):

Labcorp Genetics (formerly Invitae), Labcorp
Classification: Benign. Last evaluated: 2018-03-29. Review status: criteria provided, single submitter. Criteria: Invitae Variant Classification Sherloc (09022015). Collection method: clinical testing. Allele origin: germline.

Breakthrough Genomics
Classification: Benign. Review status: criteria provided, single submitter. Criteria: ACMG Guidelines, 2015. Collection method: not provided. Allele origin: germline. Inheritance: Unknown mechanism. Affected: yes.

PreventionGenetics, part of Exact Sciences
Classification: Likely benign for KCNAB2-related condition. Last evaluated: 2019-03-20. Review status: no assertion criteria provided. Collection method: clinical testing. Allele origin: germline. Not counted in ClinVar's aggregate classification.
Comment: This variant is classified as likely benign based on ACMG/AMP sequence variant interpretation guidelines (Richards et al. 2015 PMID: 25741868, with internal and published modifications).